The following is an entry in ClinVar:

ClinVar aggregate classification (germline): Benign/Likely benign. Review status: criteria provided, multiple submitters, no conflicts (2 of 4 stars). 3 submissions from 3 submitters: Benign (1); Likely benign (2). Last evaluated 2025-03-04.

Conditions:
Mitochondrial complex II deficiency, nuclear type 1. Also called: SUCCINATE CoQ REDUCTASE DEFICIENCY. Identifiers: Orphanet 3208, MedGen C5700310, MONDO:0100294, OMIM 252011.
Pheochromocytoma/paraganglioma syndrome 5. Also called: Paragangliomas 5; SDHA-Related Hereditary Paraganglioma-Pheochromocytoma Syndrome. Identifiers: Orphanet 29072, MedGen C3279992, MONDO:0013602, OMIM 614165.
Hereditary cancer-predisposing syndrome. Also called: Hereditary Cancer Syndrome; Hereditary neoplastic syndrome; Neoplastic Syndromes, Hereditary; Tumor predisposition. Identifiers: Orphanet 140162, MedGen C0027672, MeSH D009386, MONDO:0015356.

Submissions (3):

Myriad Genetics, Inc.
Classification: Benign for Pheochromocytoma/paraganglioma syndrome 5. Last evaluated: 2025-03-04. Review status: criteria provided, single submitter. Criteria: Myriad Autosomal Dominant, Autosomal Recessive and X-Linked Classification Criteria (2023). Collection method: clinical testing. Allele origin: unknown.
Comment: This variant is considered benign. This variant is a silent/synonymous amino acid change and it is not expected to impact splicing.

Labcorp Genetics (formerly Invitae), Labcorp
Classification: Likely benign for Pheochromocytoma/paraganglioma syndrome 5; Mitochondrial complex II deficiency, nuclear type 1. Last evaluated: 2025-02-27. Review status: criteria provided, single submitter. Criteria: Invitae Variant Classification Sherloc (09022015). Collection method: clinical testing. Allele origin: germline.

Ambry Genetics
Classification: Likely benign for Hereditary cancer-predisposing syndrome. Last evaluated: 2022-02-28. Review status: criteria provided, single submitter. Criteria: Ambry Variant Classification Scheme 2023. Collection method: clinical testing. Allele origin: germline.

NM_004168.4(SDHA):c.969C>G (p.Gly323=)

Gene: SDHA (succinate dehydrogenase complex flavoprotein subunit A; plus strand). Cytogenetic location: 5p15.33.
Variant type: single nucleotide variant.
Coding change: c.969C>G on transcript NM_004168.4 (MANE Select); coding-DNA position 969, C replaced by G.
Protein change: p.Gly323=; no amino-acid change (glycine 323 retained).
Molecular consequence: synonymous variant.
Genome position (GRCh38, 1-based): chr5:233,550, C>G. VCF-style: chr5-233550-C-G. GRCh37 (hg19) VCF-style: chr5-233665-C-G.
Other names: c.825C>G, p.Gly275= (NM_001294332.2); c.969C>G, p.Gly323= (NM_001330758.2).
Identifiers: ClinVar variation 1767837 (VCV001767837.8), dbSNP rs142849100, ClinGen allele CA442691688.